The following is an entry in ClinVar:

NM_000059.4(BRCA2):c.-40+6T>A

Genes: BRCA2 (BRCA2 DNA repair associated; plus strand), LOC106721785 (BRCA2 promoter/silencer region; plus strand). Cytogenetic location: 13q13.1.
Variant type: single nucleotide variant.
Coding change: c.-40+6T>A on transcript NM_000059.4 (MANE Select); 6 bases into the intron after 40 bases upstream of the start codon, T replaced by A.
Molecular consequence: intron variant.
Genome position (GRCh38, 1-based): chr13:32,315,673, T>A. VCF-style: chr13-32315673-T-A. GRCh37 (hg19) VCF-style: chr13-32889810-T-A.
Identifiers: ClinVar variation 1058012 (VCV001058012.9), dbSNP rs2138695750, ClinGen allele CA2499221999.

ClinVar aggregate classification (germline): Uncertain significance (1 of 4 stars; one submission).

Conditions:
Hereditary breast ovarian cancer syndrome. Also called: Hereditary breast and/or ovarian cancer syndrome; Breast and ovarian cancer; BRCA1- and BRCA2-Associated Hereditary Breast and Ovarian Cancer; Hereditary breast and ovarian cancer syndrome; Hereditary breast and ovarian cancer syndrome (HBOC); Hereditary breast and ovarian cancer. Identifiers: Orphanet 145, MedGen C0677776, MeSH D061325, MONDO:0003582. Disease mechanism: loss of function.

Submission:

Labcorp Genetics (formerly Invitae), Labcorp
Classification: Uncertain significance for Hereditary breast ovarian cancer syndrome. Last evaluated: 2020-09-05. Review status: criteria provided, single submitter. Criteria: Invitae Variant Classification Sherloc (09022015). Collection method: clinical testing. Allele origin: germline.
Comment: This variant has not been reported in the literature in individuals with BRCA2-related conditions. In summary, the available evidence is currently insufficient to determine the role of this variant in disease. Therefore, it has been classified as a Variant of Uncertain Significance. Algorithms developed to predict the effect of sequence changes on RNA splicing suggest that this variant may disrupt the consensus splice site, but this prediction has not been confirmed by published transcriptional studies. The frequency data for this variant in the population databases is considered unreliable, as metrics indicate insufficient coverage at this position in the ExAC database. This sequence change falls in intron 1 of the BRCA2 gene. It does not directly change the encoded amino acid sequence of the BRCA2 protein.